The following is an entry in ClinVar:

NM_025243.4(SLC19A3):c.1217T>C (p.Val406Ala)

Gene: SLC19A3 (solute carrier family 19 member 3; minus strand). Cytogenetic location: 2q36.3.
Variant type: single nucleotide variant.
Coding change: c.1217T>C on transcript NM_025243.4 (MANE Select); coding-DNA position 1217, T replaced by C.
Protein change: p.Val406Ala; replaces valine 406 with alanine.
Molecular consequence: missense variant.
Genome position (GRCh38, 1-based): chr2:227,688,263, A>G on the plus strand (T>C on the coding strand, the complement: SLC19A3 is on the minus strand). VCF-style: chr2-227688263-A-G. GRCh37 (hg19) VCF-style: chr2-228552979-A-G.
Other names: c.1217T>C, p.Val406Ala (NM_001371411.1, NM_001371412.1); c.1205T>C, p.Val402Ala (NM_001371413.1, NM_001371414.1); short protein forms V402A, V406A.
Identifiers: ClinVar variation 940473 (VCV000940473.1), dbSNP rs1695095166, ClinGen allele CA350875530.

ClinVar aggregate classification (germline): Uncertain significance (1 of 4 stars; one submission).

Conditions:
Biotin-responsive basal ganglia disease (BTBGD). Also called: Thiamine metabolism dysfunction syndrome type 2; Thiamine Transporter-2 Deficiency; THIAMINE METABOLISM DYSFUNCTION SYNDROME 2 (BIOTIN- AND THIAMINE-RESPONSIVE TYPE); Thiamine metabolism dysfunction syndrome 2 (biotin- or thiamine-responsive encephalopathy type 2); thiamine-responsive encephalopathy. Identifiers: Orphanet 199348, Orphanet 65284, MedGen C1843807, MONDO:0011841, OMIM 607483.

Allele frequency attached by ClinVar (database versions not stated): gnomAD exomes below 0.00001.

Submission:

Labcorp Genetics (formerly Invitae), Labcorp
Classification: Uncertain significance for Biotin-responsive basal ganglia disease. Last evaluated: 2019-07-24. Review status: criteria provided, single submitter. Criteria: Invitae Variant Classification Sherloc (09022015). Collection method: clinical testing. Allele origin: germline.
Comment: This sequence change replaces valine with alanine at codon 406 of the SLC19A3 protein (p.Val406Ala). The valine residue is moderately conserved and there is a small physicochemical difference between valine and alanine. This variant is not present in population databases (ExAC no frequency). This variant has not been reported in the literature in individuals with SLC19A3-related conditions. Algorithms developed to predict the effect of missense changes on protein structure and function are either unavailable or do not agree on the potential impact of this missense change (SIFT: "Deleterious"; PolyPhen-2: "Benign"; Align-GVGD: "Class C25"). In summary, the available evidence is currently insufficient to determine the role of this variant in disease. Therefore, it has been classified as a Variant of Uncertain Significance.